The following is an entry in ClinVar:

NM_000268.4(NF2):c.817A>G (p.Ile273Val)

Gene: NF2 (NF2, moesin-ezrin-radixin like (MERLIN) tumor suppressor; plus strand). Cytogenetic location: 22q12.2.
Variant type: single nucleotide variant.
Coding change: c.817A>G on transcript NM_000268.4 (MANE Select); coding-DNA position 817, A replaced by G.
Protein change: p.Ile273Val; replaces isoleucine 273 with valine.
Molecular consequence: missense variant. On other transcripts: non-coding transcript variant (1), intron variant (1).
Genome position (GRCh38, 1-based): chr22:29,664,996, A>G. VCF-style: chr22-29664996-A-G. GRCh37 (hg19) VCF-style: chr22-30060985-A-G.
Other names: c.817A>G, p.Ile273Val (NM_016418.5, NM_181825.3, NM_181832.3); c.691A>G, p.Ile231Val (NM_181828.3); c.694A>G, p.Ile232Val (NM_181829.3); c.568A>G, p.Ile190Val (NM_181830.3, NM_181831.3); c.447+22711A>G (NM_181833.3); short protein forms I273V, I231V, I232V, I190V.
Identifiers: ClinVar variation 584999 (VCV000584999.19), dbSNP rs1368184325, ClinGen allele CA411144537.

ClinVar aggregate classification (germline): Uncertain significance. Review status: criteria provided, multiple submitters, no conflicts (2 of 4 stars). 4 submissions from 4 submitters: Uncertain significance (4). Last evaluated 2025-12-09.

Conditions:
Hereditary cancer-predisposing syndrome. Also called: Tumor predisposition; Neoplastic Syndromes, Hereditary; Hereditary neoplastic syndrome; Hereditary Cancer Syndrome. Identifiers: Orphanet 140162, MedGen C0027672, MeSH D009386, MONDO:0015356.
Neurofibromatosis, type 2 (SWNV). Also called: NF2-Related Schwannomatosis; BILATERAL ACOUSTIC NEUROFIBROMATOSIS; SCHWANNOMATOSIS, VESTIBULAR. Identifiers: Orphanet 637, MedGen C0027832, MONDO:0007039, OMIM 101000. Disease mechanism: loss of function.

Allele frequency attached by ClinVar (database versions not stated): gnomAD exomes below 0.00001 and 0.00003.
gnomAD v4.1: 44 of 1,611,334 alleles (0.0027%); highest among the groups gnomAD compares: Non-Finnish European, 0.0037%; no homozygotes.

Submissions (4):

Ambry Genetics
Classification: Uncertain significance for Hereditary cancer-predisposing syndrome. Last evaluated: 2025-12-09. Review status: criteria provided, single submitter. Criteria: Ambry Variant Classification Scheme 2023. Collection method: clinical testing. Allele origin: germline.
Comment: The p.I273V variant (also known as c.817A>G), located in coding exon 9 of the NF2 gene, results from an A to G substitution at nucleotide position 817. The isoleucine at codon 273 is replaced by valine, an amino acid with highly similar properties. This amino acid position is highly conserved in available vertebrate species. In addition, the in silico prediction for this alteration is inconclusive. Based on the available evidence, the clinical significance of this variant remains unclear.

Labcorp Genetics (formerly Invitae), Labcorp
Classification: Uncertain significance for Neurofibromatosis, type 2. Last evaluated: 2025-08-30. Review status: criteria provided, single submitter. Criteria: Invitae Variant Classification Sherloc (09022015). Collection method: clinical testing. Allele origin: germline.
Comment: This sequence change replaces isoleucine, which is neutral and non-polar, with valine, which is neutral and non-polar, at codon 273 of the NF2 protein (p.Ile273Val). This variant is present in population databases (no rsID available, gnomAD 0.0009%). This missense change has been observed in individual(s) with breast cancer (PMID: 35264596). ClinVar contains an entry for this variant (Variation ID: 584999). Invitae Evidence Modeling of protein sequence and biophysical properties (such as structural, functional, and spatial information, amino acid conservation, physicochemical variation, residue mobility, and thermodynamic stability) indicates that this missense variant is not expected to disrupt NF2 protein function with a negative predictive value of 80%. In summary, the available evidence is currently insufficient to determine the role of this variant in disease. Therefore, it has been classified as a Variant of Uncertain Significance.

Genome-Nilou Lab
Classification: Uncertain significance for Neurofibromatosis, type 2. Last evaluated: 2021-11-07. Review status: criteria provided, single submitter. Criteria: ACMG Guidelines, 2015. Collection method: clinical testing. Allele origin: germline. Affected: no.

Mendelics
Classification: Uncertain significance for Neurofibromatosis, type 2. Last evaluated: 2018-07-02. Review status: criteria provided, single submitter. Criteria: Mendelics Assertion Criteria 2017. Collection method: clinical testing. Allele origin: unknown.

Literature cited by the submitters: PubMed 35264596 (cited by Labcorp Genetics (formerly Invitae), Labcorp).